The following is an entry in ClinVar:

ClinVar aggregate classification (germline): Uncertain significance. Review status: criteria provided, multiple submitters, no conflicts (2 of 4 stars). 3 submissions from 3 submitters: Uncertain significance (3). Last evaluated 2025-03-21.

Conditions:
Malignant hyperthermia, susceptibility to, 1 (MHS1). Also called: Anesthesia related hyperthermia; Malignant hyperpyrexia; Fulminating hyperpyrexia; Pharmacogenic myopathy; Malignant hyperthermia suceptibility 1; RYR1-Related Malignant Hyperthermia Susceptibility. Identifiers: Orphanet 423, MedGen C2930980, MONDO:0007783, OMIM 145600.
RYR1-related disorder. Also called: RYR1-related condition; RYR1-related disorders. Identifiers: MedGen CN239331.

Allele frequency attached by ClinVar (database versions not stated): gnomAD 0.00001; ExAC 0.00002; gnomAD exomes 0.00002; TOPMed 0.00002.
gnomAD v4.1: 25 of 1,609,230 alleles (0.0016%); highest among the groups gnomAD compares: Non-Finnish European, 0.002%; no homozygotes.

Submissions (3):

GeneDx
Classification: Uncertain significance. Last evaluated: 2025-03-21. Review status: criteria provided, single submitter. Criteria: GeneDx Variant Classification Process June 2021. Collection method: clinical testing. Allele origin: germline. Affected: yes.
Comment: Not observed at significant frequency in large population cohorts (gnomAD); In silico analysis supports that this missense variant has a deleterious effect on protein structure/function; Has not been previously published as pathogenic or benign to our knowledge

Labcorp Genetics (formerly Invitae), Labcorp
Classification: Uncertain significance for RYR1-related disorder. Last evaluated: 2024-11-27. Review status: criteria provided, single submitter. Criteria: Invitae Variant Classification Sherloc (09022015). Collection method: clinical testing. Allele origin: germline.
Comment: This sequence change replaces valine, which is neutral and non-polar, with glutamic acid, which is acidic and polar, at codon 2070 of the RYR1 protein (p.Val2070Glu). This variant is present in population databases (rs768299629, gnomAD 0.003%). This variant has not been reported in the literature in individuals affected with RYR1-related conditions. ClinVar contains an entry for this variant (Variation ID: 2718364). Invitae Evidence Modeling of protein sequence and biophysical properties (such as structural, functional, and spatial information, amino acid conservation, physicochemical variation, residue mobility, and thermodynamic stability) indicates that this missense variant is not expected to disrupt RYR1 protein function with a negative predictive value of 80%. In summary, the available evidence is currently insufficient to determine the role of this variant in disease. Therefore, it has been classified as a Variant of Uncertain Significance.

All of Us Research Program, National Institutes of Health
Classification: Uncertain significance for Malignant hyperthermia, susceptibility to, 1. Last evaluated: 2024-09-11. Review status: criteria provided, single submitter. Criteria: ACMG Guidelines, 2015. Collection method: clinical testing. Allele origin: germline. Inheritance: Autosomal dominant inheritance. Observed: 2 variant alleles, 2 heterozygotes.
Comment: This missense variant replaces valine with glutamic acid at codon 2070 of the RYR1 protein. Computational prediction is inconclusive regarding the impact of this variant on protein structure and function. To our knowledge, functional studies have not been reported for this variant. This variant has not been reported in individuals affected with RYR1-related disorders in the literature. This variant has been identified in 3/251230 chromosomes in the general population by the Genome Aggregation Database (gnomAD). The available evidence is insufficient to determine the role of this variant in disease conclusively. Therefore, this variant is classified as a Variant of Uncertain Significance.

This study involves interpretation of variants in research participants for the purpose of population health screening. Participant phenotype was not available at the time of variant classification. Additional details can be found in publication PMID: 35346344, PMCID: PMC8962531

NM_000540.3(RYR1):c.6209T>A (p.Val2070Glu)

Gene: RYR1 (ryanodine receptor 1; plus strand). Cytogenetic location: 19q13.2.
Variant type: single nucleotide variant.
Coding change: c.6209T>A on transcript NM_000540.3 (MANE Select); coding-DNA position 6209, T replaced by A.
Protein change: p.Val2070Glu; replaces valine 2070 with glutamic acid.
Molecular consequence: missense variant.
Genome position (GRCh38, 1-based): chr19:38,492,571, T>A. VCF-style: chr19-38492571-T-A. GRCh37 (hg19) VCF-style: chr19-38983211-T-A.
Other names: c.6209T>A, p.Val2070Glu (NM_001042723.2); short protein forms V2070E.
Identifiers: ClinVar variation 2718364 (VCV002718364.4), dbSNP rs768299629, ClinGen allele CA067899.